The following is an entry in ClinVar:

ClinVar aggregate classification (germline): Uncertain significance (1 of 4 stars; one submission).

Conditions:
Leber congenital amaurosis 2 (LCA2). Also called: Autosomal Recessive RPE65-Related Retinal Degeneration; AMAUROSIS CONGENITA OF LEBER II. Identifiers: Orphanet 65, MedGen C1859844, MONDO:0008765, OMIM 204100. Disease mechanism: loss of function.
Retinitis pigmentosa 20 (RP20). Identifiers: Orphanet 791, MedGen C3151086, MONDO:0013425, OMIM 613794.

Allele frequency attached by ClinVar (database versions not stated): gnomAD exomes below 0.00001; ExAC 0.00001.

Submission:

Labcorp Genetics (formerly Invitae), Labcorp
Classification: Uncertain significance for Leber congenital amaurosis 2; Retinitis pigmentosa 20. Last evaluated: 2022-02-12. Review status: criteria provided, single submitter. Criteria: Invitae Variant Classification Sherloc (09022015). Collection method: clinical testing. Allele origin: germline.
Comment: This sequence change replaces tryptophan, which is neutral and slightly polar, with arginine, which is basic and polar, at codon 268 of the RPE65 protein (p.Trp268Arg). This variant is present in population databases (rs781460267, gnomAD 0.0009%). This variant has not been reported in the literature in individuals affected with RPE65-related conditions. Algorithms developed to predict the effect of missense changes on protein structure and function are either unavailable or do not agree on the potential impact of this missense change (SIFT: "Deleterious"; PolyPhen-2: "Probably Damaging"; Align-GVGD: "Class C0"). Algorithms developed to predict the effect of sequence changes on RNA splicing suggest that this variant may create or strengthen a splice site. In summary, the available evidence is currently insufficient to determine the role of this variant in disease. Therefore, it has been classified as a Variant of Uncertain Significance.

NM_000329.3(RPE65):c.802T>A (p.Trp268Arg)

Gene: RPE65 (retinoid isomerohydrolase RPE65; minus strand). Cytogenetic location: 1p31.3.
Variant type: single nucleotide variant.
Coding change: c.802T>A on transcript NM_000329.3 (MANE Select); coding-DNA position 802, T replaced by A.
Protein change: p.Trp268Arg; replaces tryptophan 268 with arginine.
Molecular consequence: missense variant.
Genome position (GRCh38, 1-based): chr1:68,439,247, A>T on the plus strand (T>A on the coding strand, the complement: RPE65 is on the minus strand). VCF-style: chr1-68439247-A-T. GRCh37 (hg19) VCF-style: chr1-68904930-A-T.
Other names: c.694T>A, p.Trp232Arg (NM_001406853.1); c.526T>A, p.Trp176Arg (NM_001406856.1, NM_001406857.1); c.802T>A, p.Trp268Arg (NM_001406859.1); short protein forms W232R, W176R, W268R.
Identifiers: ClinVar variation 2143356 (VCV002143356.1), dbSNP rs781460267, ClinGen allele CA902392.